The following is an entry in ClinVar:

NM_003632.3(CNTNAP1):c.1027_1029delinsCA (p.Ser343fs)

Gene: CNTNAP1 (contactin associated protein 1; plus strand). Cytogenetic location: 17q21.2.
Variant type: Indel.
Coding change: c.1027_1029delinsCA on transcript NM_003632.3 (MANE Select); coding-DNA positions 1027 to 1029, TCC replaced by CA.
Protein change: p.Ser343fs; shifts the reading frame from serine 343.
Molecular consequence: frameshift variant.
Genome position (GRCh38, 1-based): chr17:42,687,029-42,687,031, TCC replaced by CA. VCF-style: chr17-42687029-TCC-CA. GRCh37 (hg19) VCF-style: chr17-40839047-TCC-CA.
Other names: short protein forms S343fs.
Identifiers: ClinVar variation 3347070 (VCV003347070.1).

ClinVar aggregate classification (germline): Likely pathogenic (0 of 4 stars; one submission).

Conditions:
CNTNAP1-related disorder. Also called: CNTNAP1-related disease; CNTNAP1-related condition.

Submission:

PreventionGenetics, part of Exact Sciences
Classification: Likely pathogenic for CNTNAP1-related condition. Last evaluated: 2024-07-15. Review status: no assertion criteria provided. Collection method: clinical testing. Allele origin: germline.
Comment: The CNTNAP1 c.1027_1029delinsCA variant is predicted to result in a frameshift and premature protein termination (p.Ser343Hisfs*70). To our knowledge, this variant has not been reported in the literature or in a large population database, indicating this variant is rare. Frameshift variants in CNTNAP1 are expected to be pathogenic. This variant is interpreted as likely pathogenic.